The following is an entry in ClinVar:

NM_001184880.2(PCDH19):c.1000G>C (p.Val334Leu)

Gene: PCDH19 (protocadherin 19; minus strand). Cytogenetic location: Xq22.1.
Variant type: single nucleotide variant.
Coding change: c.1000G>C on transcript NM_001184880.2 (MANE Select); coding-DNA position 1000, G replaced by C.
Protein change: p.Val334Leu; replaces valine 334 with leucine.
Molecular consequence: missense variant.
Genome position (GRCh38, 1-based): chrX:100,407,598, C>G on the plus strand (G>C on the coding strand, the complement: PCDH19 is on the minus strand). VCF-style: chrX-100407598-C-G. GRCh37 (hg19) VCF-style: chrX-99662596-C-G.
Other names: c.1000G>C, p.Val334Leu (NM_001105243.2, NM_020766.3); short protein forms V334L.
Identifiers: ClinVar variation 2421273 (VCV002421273.8), dbSNP rs1928415240, ClinGen allele CA414004815.

ClinVar aggregate classification (germline): Uncertain significance (1 of 4 stars; one submission).

Conditions:
Developmental and epileptic encephalopathy, 9 (DEE9). Also called: Early infantile epileptic encephalopathy 9; JUBERG-HELLMAN SYNDROME; PCDH19-Related X-Linked Female-Limited Epilepsy with Mental Retardation; EPILEPSY, FEMALE-RESTRICTED, WITH MENTAL RETARDATION. Identifiers: Orphanet 101039, Orphanet 2076, MedGen C1848137, MONDO:0010246, OMIM 300088. Disease mechanism: loss of function.

Allele frequency attached by ClinVar (database versions not stated): gnomAD 0.00001.
gnomAD v4.1: 1 of 1,210,384 alleles (0.000083%); highest among the groups gnomAD compares: African/African-American, 0.0017%; no homozygotes.

Submission:

Labcorp Genetics (formerly Invitae), Labcorp
Classification: Uncertain significance for Developmental and epileptic encephalopathy, 9. Last evaluated: 2022-03-10. Review status: criteria provided, single submitter. Criteria: Invitae Variant Classification Sherloc (09022015). Collection method: clinical testing. Allele origin: germline.
Comment: This sequence change replaces valine, which is neutral and non-polar, with leucine, which is neutral and non-polar, at codon 334 of the PCDH19 protein (p.Val334Leu). This variant is not present in population databases (gnomAD no frequency). This variant has not been reported in the literature in individuals affected with PCDH19-related conditions. Algorithms developed to predict the effect of missense changes on protein structure and function are either unavailable or do not agree on the potential impact of this missense change (SIFT: "Deleterious"; PolyPhen-2: "Possibly Damaging"; Align-GVGD: "Class C0"). In summary, the available evidence is currently insufficient to determine the role of this variant in disease. Therefore, it has been classified as a Variant of Uncertain Significance.